The following is an entry in ClinVar:

NM_003072.5(SMARCA4):c.336dup (p.Met113fs)

Gene: SMARCA4 (SWI/SNF related BAF chromatin remodeling complex subunit ATPase 4; plus strand). Cytogenetic location: 19p13.2.
Variant type: Duplication.
Coding change: c.336dup on transcript NM_003072.5 (MANE Select); coding-DNA position 336, one base duplicated (C; older notation c.336dupC).
Protein change: p.Met113fs; shifts the reading frame from methionine 113.
Molecular consequence: frameshift variant. On other transcripts: non-coding transcript variant (1).
Genome position (GRCh38, 1-based): chr19:10,985,386, C duplicated; the last of 4 consecutive C bases (chr19:10,985,383-10,985,386); duplicating any one gives the same sequence. VCF-style (leftmost placement, unchanged base first): chr19-10985382-G-GC. GRCh37 (hg19) VCF-style: chr19-11096058-G-GC.
Other names: c.336dup, p.Met113fs (NM_001128844.3, NM_001128845.2, NM_001128846.2 and 5 more transcripts); short protein forms M113fs.
Identifiers: ClinVar variation 1074336 (VCV001074336.7), dbSNP rs2145752321, ClinGen allele CA2499225264.

ClinVar aggregate classification (germline): Pathogenic (1 of 4 stars; one submission).

Conditions:
Rhabdoid tumor predisposition syndrome 2 (RTPS2). Identifiers: Orphanet 231108, Orphanet 69077, MedGen C2750074, MONDO:0013224, OMIM 613325.

Submission:

Labcorp Genetics (formerly Invitae), Labcorp
Classification: Pathogenic for Rhabdoid tumor predisposition syndrome 2. Last evaluated: 2020-01-29. Review status: criteria provided, single submitter. Criteria: Invitae Variant Classification Sherloc (09022015). Collection method: clinical testing. Allele origin: germline.
Comment: For these reasons, this variant has been classified as Pathogenic. Loss-of-function variants in SMARCA4 are known to be pathogenic (PMID: 24658001, 24658002). This variant has not been reported in the literature in individuals with SMARCA4-related conditions. This variant is not present in population databases (ExAC no frequency). This sequence change creates a premature translational stop signal (p.Met113Hisfs*16) in the SMARCA4 gene. It is expected to result in an absent or disrupted protein product.

Literature cited by the submitters: PubMed 24658001; PubMed 24658002.